The following is an entry in ClinVar:

NM_212482.4(FN1):c.3452A>G (p.Tyr1151Cys)

Gene: FN1 (fibronectin 1; minus strand). Cytogenetic location: 2q35.
Variant type: single nucleotide variant.
Coding change: c.3452A>G on transcript NM_212482.4 (MANE Select); coding-DNA position 3452, A replaced by G.
Protein change: p.Tyr1151Cys; replaces tyrosine 1151 with cysteine.
Molecular consequence: missense variant.
Genome position (GRCh38, 1-based): chr2:215,397,745, T>C on the plus strand (A>G on the coding strand, the complement: FN1 is on the minus strand). VCF-style: chr2-215397745-T-C. GRCh37 (hg19) VCF-style: chr2-216262468-T-C.
Other names: c.3452A>G, p.Tyr1151Cys (NM_001306129.2, NM_001306130.2, NM_001306131.2 and 13 more transcripts); short protein forms Y1151C.
Identifiers: ClinVar variation 1945221 (VCV001945221.5), dbSNP rs2469871488, ClinGen allele CA350487259.

ClinVar aggregate classification (germline): Uncertain significance (1 of 4 stars; one submission).

gnomAD v4.1: 1 of 1,614,110 alleles (0.000062%); highest among the groups gnomAD compares: South Asian, 0.0011%; no homozygotes.

Submission:

Labcorp Genetics (formerly Invitae), Labcorp
Classification: Uncertain significance. Last evaluated: 2022-07-21. Review status: criteria provided, single submitter. Criteria: Invitae Variant Classification Sherloc (09022015). Collection method: clinical testing. Allele origin: germline.
Comment: In summary, the available evidence is currently insufficient to determine the role of this variant in disease. Therefore, it has been classified as a Variant of Uncertain Significance. Algorithms developed to predict the effect of missense changes on protein structure and function are either unavailable or do not agree on the potential impact of this missense change (SIFT: "Not Available"; PolyPhen-2: "Probably Damaging"; Align-GVGD: "Not Available"). This variant has not been reported in the literature in individuals affected with FN1-related conditions. This variant is not present in population databases (gnomAD no frequency). This sequence change replaces tyrosine, which is neutral and polar, with cysteine, which is neutral and slightly polar, at codon 1151 of the FN1 protein (p.Tyr1151Cys).